The following is an entry in ClinVar:

NM_016492.5(RANGRF):c.351+4_351+19del

Genes: RANGRF (RAN guanine nucleotide release factor; plus strand), SLC25A35 (solute carrier family 25 member 35; minus strand). Cytogenetic location: 17p13.1.
Variant type: Deletion.
Coding change: c.351+4_351+19del on transcript NM_016492.5 (MANE Select); bases 4 to 19 of the intron after coding-DNA position 351, 16 bases deleted (AGGGCCCGAGAGTGTG).
Molecular consequence: splice donor variant. On other transcripts: nonsense (1), 3 prime UTR variant (2), non-coding transcript variant (1), intron variant (1).
Genome position (GRCh38, 1-based): chr17:8,289,418-8,289,433, AGGGCCCGAGAGTGTG deleted; deleting any 16 consecutive bases within chr17:8,289,415-8,289,433 gives the same sequence; the c. name uses the placement nearest the transcript's 3' end. VCF-style (leftmost placement, unchanged base first): chr17-8289414-GGTGAGGGCCCGAGAGT-G. GRCh37 (hg19) VCF-style: chr17-8192732-GGTGAGGGCCCGAGAGT-G.
Other names: c.351+4_351+19del (NM_001177801.2, NM_001330127.2); c.355_370del, p.Val118_Arg119insTer (NM_001177802.2); c.*53_*68del (NM_001320872.2); c.*186_*201del (NM_201520.3); c.*42+144_*42+159del (NM_001320871.2).
Identifiers: ClinVar variation 1956585 (VCV001956585.5), dbSNP rs1990301131, ClinGen allele CA2246234000.

ClinVar aggregate classification (germline): Uncertain significance (1 of 4 stars; one submission).

Conditions:
Cardiac arrhythmia. Also called: Arrhythmia; Cardiac rhythm disease. Identifiers: MedGen C0003811, MONDO:0007263, HP:0011675.

Submission:

Labcorp Genetics (formerly Invitae), Labcorp
Classification: Uncertain significance for Cardiac arrhythmia. Last evaluated: 2025-09-02. Review status: criteria provided, single submitter. Criteria: Invitae Variant Classification Sherloc (09022015). Collection method: clinical testing. Allele origin: germline.
Comment: This sequence change falls in intron 3 of the RANGRF gene. It does not directly change the encoded amino acid sequence of the RANGRF protein. It affects a nucleotide within the consensus splice site. This variant is not present in population databases (gnomAD no frequency). This variant has not been reported in the literature in individuals affected with RANGRF-related conditions. ClinVar contains an entry for this variant (Variation ID: 1956585). Variants that disrupt the consensus splice site are a relatively common cause of aberrant splicing (PMID: 17576681, 9536098). In summary, the available evidence is currently insufficient to determine the role of this variant in disease. Therefore, it has been classified as a Variant of Uncertain Significance.

Literature cited by the submitters: PubMed 17576681; PubMed 9536098.